The following is an entry in ClinVar:

NM_032608.7(MYO18B):c.5830C>G (p.Gln1944Glu)

Gene: MYO18B (myosin XVIIIB; plus strand). Cytogenetic location: 22q12.1.
Variant type: single nucleotide variant.
Coding change: c.5830C>G on transcript NM_032608.7 (MANE Select); coding-DNA position 5830, C replaced by G.
Protein change: p.Gln1944Glu; replaces glutamine 1944 with glutamic acid.
Molecular consequence: missense variant.
Genome position (GRCh38, 1-based): chr22:25,950,448, C>G. VCF-style: chr22-25950448-C-G. GRCh37 (hg19) VCF-style: chr22-26346414-C-G.
Other names: c.5833C>G, p.Gln1945Glu (NM_001318245.2); short protein forms Q1944E, Q1945E.
Identifiers: ClinVar variation 2417661 (VCV002417661.6), dbSNP rs757076714, ClinGen allele CA10161289.

ClinVar aggregate classification (germline): Uncertain significance (1 of 4 stars; one submission).

Allele frequency attached by ClinVar (database versions not stated): ExAC 0.00003.
gnomAD v4.1: 21 of 1,599,504 alleles (0.0013%); highest among the groups gnomAD compares: Non-Finnish European, 0.0018%; no homozygotes.

Submission:

Labcorp Genetics (formerly Invitae), Labcorp
Classification: Uncertain significance. Last evaluated: 2022-07-14. Review status: criteria provided, single submitter. Criteria: Invitae Variant Classification Sherloc (09022015). Collection method: clinical testing. Allele origin: germline.
Comment: This sequence change replaces glutamine, which is neutral and polar, with glutamic acid, which is acidic and polar, at codon 1944 of the MYO18B protein (p.Gln1944Glu). This variant is present in population databases (rs757076714, gnomAD 0.004%). This variant has not been reported in the literature in individuals affected with MYO18B-related conditions. Algorithms developed to predict the effect of missense changes on protein structure and function are either unavailable or do not agree on the potential impact of this missense change (SIFT: "Not Available"; PolyPhen-2: "Benign"; Align-GVGD: "Not Available"). In summary, the available evidence is currently insufficient to determine the role of this variant in disease. Therefore, it has been classified as a Variant of Uncertain Significance.